The following is an entry in ClinVar:

NM_144643.4(SCLT1):c.1830-2A>G

Gene: SCLT1 (sodium channel and clathrin linker 1; minus strand). Cytogenetic location: 4q28.2.
Variant type: single nucleotide variant.
Coding change: c.1830-2A>G on transcript NM_144643.4 (MANE Select); the canonical splice acceptor site of the intron before coding-DNA position 1830, A replaced by G.
Molecular consequence: splice acceptor variant.
Genome position (GRCh38, 1-based): chr4:128,891,139, T>C on the plus strand (A>G on the coding strand, the complement: SCLT1 is on the minus strand). VCF-style: chr4-128891139-T-C. GRCh37 (hg19) VCF-style: chr4-129812294-T-C.
Other names: c.1830-2A>G (NM_144643.3).
Identifiers: ClinVar variation 1990707 (VCV001990707.7), dbSNP rs770099403, ClinGen allele CA3079501.
Genomic context (GRCh38, chr4:128,891,139, plus strand): 5'-CCATTTCCAGCTGAGAAAGCAGCTCTTGGGTATGAAGTTTCTGTCGACTCAGCTCACTCC[T>C]ATTAAGAGCACCAAAAAATCCATTAATATAATTGTTCCAAATAGAAAACAGAATCTTTAT-3'

ClinVar aggregate classification (germline): Likely pathogenic. Review status: criteria provided, multiple submitters, no conflicts (2 of 4 stars). 3 submissions from 3 submitters: Likely pathogenic (3). Last evaluated 2026-03-24.

Conditions:
SCLT1-related disorder. Also called: SCLT1-related condition.

Allele frequency attached by ClinVar (database versions not stated): gnomAD exomes below 0.00001; TOPMed below 0.00001; ExAC 0.00001.
gnomAD v4.1: 1 of 1,607,498 alleles (0.000062%); highest among the groups gnomAD compares: Non-Finnish European, 0.000085%; no homozygotes.

Submissions (4):

PreventionGenetics, part of Exact Sciences
Classification: Likely pathogenic for SCLT1-related condition. Last evaluated: 2026-03-24. Review status: criteria provided, single submitter. Criteria: ACMG Guidelines, 2015. Collection method: clinical testing. Allele origin: germline.
Comment: The SCLT1 c.1830-2A>G variant is predicted to disrupt the AG splice acceptor site and interfere with normal splicing. To our knowledge, this variant has not been reported in the literature. This variant is reported in 0.00089% of alleles in individuals of European (Non-Finnish) descent in gnomAD. Variants that disrupt the consensus splice acceptor site in SCLT1 are expected to be pathogenic. This variant is interpreted as likely pathogenic.

Labcorp Genetics (formerly Invitae), Labcorp
Classification: Likely pathogenic. Last evaluated: 2025-06-22. Review status: criteria provided, single submitter. Criteria: Invitae Variant Classification Sherloc (09022015). Collection method: clinical testing. Allele origin: germline.
Comment: This sequence change affects an acceptor splice site in intron 18 of the SCLT1 gene. It is expected to disrupt RNA splicing. Variants that disrupt the donor or acceptor splice site typically lead to a loss of protein function (PMID: 16199547), and loss-of-function variants in SCLT1 are known to be pathogenic (PMID: 28005958). This variant is present in population databases (rs770099403, gnomAD 0.0009%). This variant has not been reported in the literature in individuals affected with SCLT1-related conditions. ClinVar contains an entry for this variant (Variation ID: 1990707). Algorithms developed to predict the effect of sequence changes on RNA splicing suggest that this variant may disrupt the consensus splice site. In summary, the currently available evidence indicates that the variant is pathogenic, but additional data are needed to prove that conclusively. Therefore, this variant has been classified as Likely Pathogenic.

Blueprint Genetics
Classification: Likely pathogenic for SCLT1-related disorders. Last evaluated: 2021-09-20. Review status: criteria provided, single submitter. Criteria: ACMG Guidelines, 2015. Collection method: clinical testing. Allele origin: germline. Affected: yes. Observed: 1 variant allele.

Dr. Peter K. Rogan Lab, Western University
No classification provided (evidence only). Condition: Uterine corpus endometrial carcinoma. Review status: no classification provided. Collection method: in vitro. Allele origin: not applicable. Functional consequence: skipped exon. Not counted in ClinVar's aggregate classification.

Literature cited by the submitters: PubMed 16199547 (cited by Labcorp Genetics (formerly Invitae), Labcorp); PubMed 28005958 (cited by Labcorp Genetics (formerly Invitae), Labcorp).